The following is an entry in ClinVar:

NM_001267550.2(TTN):c.32883_32887+6del

Gene: TTN (titin; minus strand). Cytogenetic location: 2q31.2.
Variant type: Deletion.
Coding change: c.32883_32887+6del on transcript NM_001267550.2 (MANE Select); coding-DNA position 32883 through 6 bases into the intron after coding-DNA position 32887, 11 bases deleted (CAAAGGTATAT).
Molecular consequence: splice donor variant. On other transcripts: intron variant (3).
Genome position (GRCh38, 1-based): chr2:178,683,205-178,683,215, ATATACCTTTG deleted on the plus strand (CAAAGGTATAT on the coding strand, the reverse complement: TTN is on the minus strand); deleting any 11 consecutive bases within chr2:178,683,205-178,683,217 gives the same sequence; the c. name uses the placement nearest the transcript's 3' end. VCF-style (leftmost placement, unchanged base first): chr2-178683204-AATATACCTTTG-A. GRCh37 (hg19) VCF-style: chr2-179547931-AATATACCTTTG-A.
Other names: c.13283-40898_13283-40888del (NM_003319.4); c.13859-40898_13859-40888del (NM_133437.4); c.13658-40898_13658-40888del (NM_133432.3); c.29151_29155+6del (NM_133378.4); c.31932_31936+6del (NM_001256850.1).
Identifiers: ClinVar variation 1997964 (VCV001997964.4), dbSNP rs2474093072, ClinGen allele CA2580065066.

ClinVar aggregate classification (germline): Likely pathogenic (1 of 4 stars; one submission).

Conditions:
Dilated cardiomyopathy 1G (CMD1G). Identifiers: Orphanet 154, MedGen C1858763, MONDO:0011400, OMIM 604145.
Autosomal recessive limb-girdle muscular dystrophy type 2J (LGMDR10). Also called: Limb-girdle muscular dystrophy, type 2J; MUSCULAR DYSTROPHY, LIMB-GIRDLE, AUTOSOMAL RECESSIVE 10. Identifiers: Orphanet 140922, MedGen C1837342, MONDO:0012127, OMIM 608807.

Submission:

Labcorp Genetics (formerly Invitae), Labcorp
Classification: Likely pathogenic for Dilated cardiomyopathy 1G; Autosomal recessive limb-girdle muscular dystrophy type 2J. Last evaluated: 2025-02-06. Review status: criteria provided, single submitter. Criteria: Invitae Variant Classification Sherloc (09022015). Collection method: clinical testing. Allele origin: germline.
Comment: This variant results in the deletion of part of exon 134 (c.32883_32887+6del) of the TTN gene. It is expected to disrupt RNA splicing and likely results in a truncated or disrupted TTN protein. This variant is not present in population databases (gnomAD no frequency). This variant has not been reported in the literature in individuals affected with TTN-related conditions. ClinVar contains an entry for this variant (Variation ID: 1997964). This variant is located in the I band of TTN (PMID: 25589632). Truncating variants in this region have been reported in individuals affected with autosomal recessive centronuclear myopathy (PMID: 23975875, internal data). Truncating variants in this region have also been identified in individuals affected with autosomal dominant dilated cardiomyopathy and/or cardio-related conditions (PMID: 27869827, 32964742, internal data). In summary, the currently available evidence indicates that the variant is pathogenic, but additional data are needed to prove that conclusively. Therefore, this variant has been classified as Likely Pathogenic.

Literature cited by the submitters: PubMed 25589632; PubMed 23975875; PubMed 27869827; PubMed 32964742.